The following is an entry in ClinVar:

NM_006736.6(DNAJB2):c.259A>G (p.Ser87Gly)

Gene: DNAJB2 (DnaJ heat shock protein family (Hsp40) member B2; plus strand). Cytogenetic location: 2q35.
Variant type: single nucleotide variant.
Coding change: c.259A>G on transcript NM_006736.6 (MANE Select); coding-DNA position 259, A replaced by G.
Protein change: p.Ser87Gly; replaces serine 87 with glycine.
Molecular consequence: missense variant.
Genome position (GRCh38, 1-based): chr2:219,281,968, A>G. VCF-style: chr2-219281968-A-G. GRCh37 (hg19) VCF-style: chr2-220146690-A-G.
Other names: c.259A>G, p.Ser87Gly (NM_001039550.2); short protein forms S87G.
Identifiers: ClinVar variation 2895684 (VCV002895684.3), dbSNP rs780465205, ClinGen allele CA2122897.
Genomic context (GRCh38, chr2:219,281,968, plus strand): 5'-CCTAAGCTCTCTCCTCATCCTGCCTTTCCAGGAACTGGCCCATCTCGGGCAGAAGCTGGC[A>G]GTGGTGGGCCTGGCTTCACCTTCACCTTCCGCAGCCCCGAGGAGGTCTTCCGGGAATTCT-3'
Protein context (NP_006727.2, residues 77-97): GTGPSRAEAG[Ser87Gly]GGPGFTFTFR

ClinVar aggregate classification (germline): Uncertain significance (1 of 4 stars; one submission).

Conditions:
Neuronopathy, distal hereditary motor, autosomal recessive 5. Also called: NEUROPATHY, DISTAL HEREDITARY MOTOR, AUTOSOMAL RECESSIVE 5; Spinal muscular atrophy, distal, autosomal recessive, 5; Young adult-onset distal hereditary motor neuropathy. Identifiers: Orphanet 314485, Orphanet 443950, MedGen C4749918, MONDO:0013947, OMIM 614881.

Allele frequency attached by ClinVar (database versions not stated): ExAC 0.00001; gnomAD exomes 0.00001; gnomAD 0.00001; TOPMed 0.00001.
gnomAD v4.1: 8 of 1,614,046 alleles (0.0005%); highest among the groups gnomAD compares: Admixed American, 0.013%; no homozygotes.

Submission:

Labcorp Genetics (formerly Invitae), Labcorp
Classification: Uncertain significance for Neuronopathy, distal hereditary motor, autosomal recessive 5. Last evaluated: 2023-07-17. Review status: criteria provided, single submitter. Criteria: Invitae Variant Classification Sherloc (09022015). Collection method: clinical testing. Allele origin: germline.
Comment: This variant is present in population databases (rs780465205, gnomAD 0.02%). In summary, the available evidence is currently insufficient to determine the role of this variant in disease. Therefore, it has been classified as a Variant of Uncertain Significance. Advanced modeling of protein sequence and biophysical properties (such as structural, functional, and spatial information, amino acid conservation, physicochemical variation, residue mobility, and thermodynamic stability) performed at Invitae indicates that this missense variant is not expected to disrupt DNAJB2 protein function. This variant has not been reported in the literature in individuals affected with DNAJB2-related conditions. This sequence change replaces serine, which is neutral and polar, with glycine, which is neutral and non-polar, at codon 87 of the DNAJB2 protein (p.Ser87Gly).